The following is an entry in ClinVar:

ClinVar aggregate classification (germline): Likely pathogenic (1 of 4 stars; one submission).

Submission:

Quest Diagnostics Nichols Institute San Juan Capistrano
Classification: Likely pathogenic. Last evaluated: 2022-06-17. Review status: criteria provided, single submitter. Criteria: ACMG/ClinGen CNV Guidelines, 2019. Collection method: clinical testing. Allele origin: unknown.
Comment: This copy number gain involves multiple genes, and overlaps with the 16p13.11 recurrent region (BP2-BP3). It confers susceptibility to a range of neurodevelopmental disorders including autism spectrum disorder, developmental delay, intellectual disability, and speech delay. Additionally, increased risk for cardiovascular disease has been noted. The clinical significance of this recurrent duplication has been debated, because similar duplications are repeatedly observed in uncharacterized controls and in unaffected relatives. However, the duplication is enriched patients versus controls in multiple case-control studies, with some exceptions. A male-biased effect on the penetrance of the neurodevelopmental phenotypes has been reported. Thus, the clinical significance of this copy number variant (CNV) is likely pathogenic. Please note that due to variable phenotypic expressivity, incomplete penetrance, and occurrence in control populations, it is best interpreted as a susceptibility locus. References: Allach El Khattabi et al. J Med Genet. J Med Genet. 2020 May;57(5):301-7. PMID: 30287593. Ullmann et al. Hum Mutat. 2007;28(7):674-82. PMID: 17480035. Hannes et al. J Med Genet. 2009;46(4):223-32. PMID: 18550696. Coe et al. Nat Genet. 2014;46(10):1063-71. PMID: 25217958. Girirajan et al. N Engl J Med. 2012;367(14):1321-31. PMID: 22970919. Kaminsky et al. Genet Med. 2011;13(9):777-84. PMID: 21844811. Tropeano et al. PLoS One. 2013;8(4):e61365. PMID: 23637818.

GRCh37/hg19 16p13.11(chr16:15481921-16330672)x3

Genes: ABCC6 (ATP binding cassette subfamily C member 6; minus strand), ABCC1 (ATP binding cassette subfamily C member 1 (ABCC1 blood group); plus strand), BMERB1 (bMERB domain containing 1; plus strand), CEP20 (centrosomal protein 20; minus strand), MARF1 (meiosis regulator and mRNA stability factor 1; minus strand) and 4 more. Cytogenetic location: 16p13.11.
Variant type: copy number gain.
Change: copy number 3 (three copies instead of two) of chr16:15,481,921-16,330,672 (848.8 kb, GRCh37 coordinates, 1-based), cytogenetic band 16p13.11.
Identifiers: ClinVar variation 1808705 (VCV001808705.1).